The following is an entry in ClinVar:

ClinVar aggregate classification (germline): Uncertain significance. Review status: criteria provided, multiple submitters, no conflicts (2 of 4 stars). 2 submissions from 2 submitters: Uncertain significance (2). Last evaluated 2025-02-26.

Conditions:
Familial hemophagocytic lymphohistiocytosis 2 (FHL2). Also called: PRF1-Related Familial Hemophagocytic Lymphohistiocytosis (PRF1-fHLH). Identifiers: Orphanet 540, MedGen C1863727, MONDO:0011337, OMIM 603553.
Inborn genetic diseases. Identifiers: MedGen C0950123, MeSH D030342.

Allele frequency attached by ClinVar (database versions not stated): gnomAD exomes below 0.00001.

Submissions (2):

Ambry Genetics
Classification: Uncertain significance for Inborn genetic diseases. Last evaluated: 2025-02-26. Review status: criteria provided, single submitter. Criteria: Ambry Variant Classification Scheme 2023. Collection method: clinical testing. Allele origin: germline.

Labcorp Genetics (formerly Invitae), Labcorp
Classification: Uncertain significance for Familial hemophagocytic lymphohistiocytosis 2. Last evaluated: 2024-02-17. Review status: criteria provided, single submitter. Criteria: Invitae Variant Classification Sherloc (09022015). Collection method: clinical testing. Allele origin: germline.
Comment: This sequence change replaces glutamic acid, which is acidic and polar, with lysine, which is basic and polar, at codon 255 of the PRF1 protein (p.Glu255Lys). This variant is present in population databases (no rsID available, gnomAD 0.0009%). This variant has not been reported in the literature in individuals affected with PRF1-related conditions. ClinVar contains an entry for this variant (Variation ID: 643737). Advanced modeling of protein sequence and biophysical properties (such as structural, functional, and spatial information, amino acid conservation, physicochemical variation, residue mobility, and thermodynamic stability) has been performed at Invitae for this missense variant, however the output from this modeling did not meet the statistical confidence thresholds required to predict the impact of this variant on PRF1 protein function. In summary, the available evidence is currently insufficient to determine the role of this variant in disease. Therefore, it has been classified as a Variant of Uncertain Significance.

NM_001083116.3(PRF1):c.763G>A (p.Glu255Lys)

Gene: PRF1 (perforin 1; minus strand). Cytogenetic location: 10q22.1.
Variant type: single nucleotide variant.
Coding change: c.763G>A on transcript NM_001083116.3 (MANE Select); coding-DNA position 763, G replaced by A.
Protein change: p.Glu255Lys; replaces glutamic acid 255 with lysine.
Molecular consequence: missense variant.
Genome position (GRCh38, 1-based): chr10:70,598,958, C>T on the plus strand (G>A on the coding strand, the complement: PRF1 is on the minus strand). VCF-style: chr10-70598958-C-T. GRCh37 (hg19) VCF-style: chr10-72358714-C-T.
Other names: c.763G>A, p.Glu255Lys (NM_005041.6); short protein forms E255K.
Identifiers: ClinVar variation 643737 (VCV000643737.9), dbSNP rs1324577129, ClinGen allele CA376958739.